The following is an entry in ClinVar:

ClinVar aggregate classification (germline): Uncertain significance (1 of 4 stars; one submission).

Conditions:
Beckwith-Wiedemann syndrome (BWS). Also called: Exomphalos macroglossia gigantism syndrome; EMG SYNDROME. Identifiers: Orphanet 116, MedGen C0004903, MONDO:0007534, OMIM 130650.

Allele frequency attached by ClinVar (database versions not stated): TOPMed below 0.00001; gnomAD 0.00001.

Submission:

Labcorp Genetics (formerly Invitae), Labcorp
Classification: Uncertain significance for Beckwith-Wiedemann syndrome. Last evaluated: 2023-06-05. Review status: criteria provided, single submitter. Criteria: Invitae Variant Classification Sherloc (09022015). Collection method: clinical testing. Allele origin: germline.
Comment: In summary, the available evidence is currently insufficient to determine the role of this variant in disease. Therefore, it has been classified as a Variant of Uncertain Significance. Advanced modeling of protein sequence and biophysical properties (such as structural, functional, and spatial information, amino acid conservation, physicochemical variation, residue mobility, and thermodynamic stability) performed at Invitae indicates that this missense variant is not expected to disrupt CDKN1C protein function. ClinVar contains an entry for this variant (Variation ID: 1909161). This variant has not been reported in the literature in individuals affected with CDKN1C-related conditions. The frequency data for this variant in the population databases is considered unreliable, as metrics indicate insufficient coverage at this position in the gnomAD database. This sequence change replaces alanine, which is neutral and non-polar, with valine, which is neutral and non-polar, at codon 166 of the CDKN1C protein (p.Ala166Val).

NM_001122630.2(CDKN1C):c.464C>T (p.Ala155Val)

Gene: CDKN1C (cyclin dependent kinase inhibitor 1C; minus strand). Cytogenetic location: 11p15.4.
Variant type: single nucleotide variant.
Coding change: c.464C>T on transcript NM_001122630.2 (MANE Select); coding-DNA position 464, C replaced by T.
Protein change: p.Ala155Val; replaces alanine 155 with valine.
Molecular consequence: missense variant. On other transcripts: intron variant (1).
Genome position (GRCh38, 1-based): chr11:2,884,993, G>A on the plus strand (C>T on the coding strand, the complement: CDKN1C is on the minus strand). VCF-style: chr11-2884993-G-A. GRCh37 (hg19) VCF-style: chr11-2906223-G-A.
Other names: c.497C>T, p.Ala166Val (NM_000076.2, NM_001362474.2); c.464C>T, p.Ala155Val (NM_001122631.2); c.255+209C>T (NM_001362475.2); short protein forms A166V, A155V.
Identifiers: ClinVar variation 1909161 (VCV001909161.5), dbSNP rs1183329789, ClinGen allele CA379146583.